The following is an entry in ClinVar:

NM_006348.5(COG5):c.1725G>A (p.Glu575=)

Gene: COG5 (component of oligomeric golgi complex 5; minus strand). Cytogenetic location: 7q22.3.
Variant type: single nucleotide variant.
Coding change: c.1725G>A on transcript NM_006348.5 (MANE Select); coding-DNA position 1725, G replaced by A.
Protein change: p.Glu575=; no amino-acid change (glutamic acid 575 retained).
Molecular consequence: synonymous variant. On other transcripts: intron variant (2).
Genome position (GRCh38, 1-based): chr7:107,256,756, C>T on the plus strand (G>A on the coding strand, the complement: COG5 is on the minus strand). VCF-style: chr7-107256756-C-T. GRCh37 (hg19) VCF-style: chr7-106897201-C-T.
Other names: c.1725G>A, p.Glu575= (NM_001161520.2, NM_001379513.1, NM_001379514.1); c.1563G>A, p.Glu521= (NM_001379511.1); c.1155G>A, p.Glu385= (NM_001379515.1); c.1011G>A, p.Glu337= (NM_001379516.1); c.1576-8257G>A (NM_001379512.1); c.1686+1517G>A (NM_181733.4).
Identifiers: ClinVar variation 511276 (VCV000511276.31), dbSNP rs145128460, ClinGen allele CA4430818.

ClinVar aggregate classification (germline): Conflicting classifications of pathogenicity. Review status: criteria provided, conflicting classifications (1 of 4 stars). 5 submissions from 5 submitters: Uncertain significance (1); Likely benign (3). 1 of the submissions does not count toward it. Last evaluated 2025-12-16.

Conditions:
COG5-congenital disorder of glycosylation. Also called: COG5-CDG; CDG IIi; CONGENITAL DISORDER OF GLYCOSYLATION, TYPE IIi. Identifiers: Orphanet 263487, MedGen C3150876, MONDO:0013325, OMIM 613612.
COG5-related disorder. Also called: COG5-related condition.

Allele frequency attached by ClinVar (database versions not stated): gnomAD 0.00017 and 0.00018; TOPMed 0.00017; gnomAD exomes 0.00018 and 0.00039; ExAC 0.00022; ESP Exome Variant Server 0.00038.
gnomAD v4.1: 577 of 1,610,486 alleles (0.036%); highest among the groups gnomAD compares: Non-Finnish European, 0.047%; 1 homozygote.

Submissions (5):

Labcorp Genetics (formerly Invitae), Labcorp
Classification: Likely benign for COG5-congenital disorder of glycosylation. Last evaluated: 2025-12-16. Review status: criteria provided, single submitter. Criteria: Invitae Variant Classification Sherloc (09022015). Collection method: clinical testing. Allele origin: germline.

CeGaT Center for Human Genetics Tuebingen
Classification: Likely benign. Last evaluated: 2024-06-01. Review status: criteria provided, single submitter. Criteria: CeGaT Center For Human Genetics Tuebingen Variant Classification Criteria Version 2. Collection method: clinical testing. Allele origin: germline. Affected: yes. Observed: 1 variant allele.
Comment: COG5: BP4, BP7

Illumina Laboratory Services, Illumina
Classification: Uncertain significance for COG5-congenital disorder of glycosylation. Last evaluated: 2018-01-13. Review status: criteria provided, single submitter. Criteria: ICSL Variant Classification Criteria 13 December 2019. Collection method: clinical testing. Allele origin: germline.

GeneDx
Classification: Likely benign. Last evaluated: 2017-08-18. Review status: criteria provided, single submitter. Criteria: GeneDx Variant Classification (06012015). Collection method: clinical testing. Allele origin: germline. Affected: yes.
Comment: This variant is considered likely benign or benign based on one or more of the following criteria: it is a conservative change, it occurs at a poorly conserved position in the protein, it is predicted to be benign by multiple in silico algorithms, and/or has population frequency not consistent with disease.

PreventionGenetics, part of Exact Sciences
Classification: Likely benign for COG5-related condition. Last evaluated: 2023-06-29. Review status: no assertion criteria provided. Collection method: clinical testing. Allele origin: germline. Not counted in ClinVar's aggregate classification.
Comment: This variant is classified as likely benign based on ACMG/AMP sequence variant interpretation guidelines (Richards et al. 2015 PMID: 25741868, with internal and published modifications).